The following is an entry in ClinVar:

NM_000261.2(MYOC):c.34G>C (p.Gly12Arg)

Gene: MYOC (myocilin; minus strand). Cytogenetic location: 1q24.3.
Variant type: single nucleotide variant.
Coding change: c.34G>C on transcript NM_000261.2 (MANE Select); coding-DNA position 34, G replaced by C.
Protein change: p.Gly12Arg; replaces glycine 12 with arginine.
Molecular consequence: missense variant.
Genome position (GRCh38, 1-based): chr1:171,652,578, C>G on the plus strand (G>C on the coding strand, the complement: MYOC is on the minus strand). VCF-style: chr1-171652578-C-G. GRCh37 (hg19) VCF-style: chr1-171621718-C-G.
Other names: NM_000261.2:c.34G>C; short protein forms G12R.
Identifiers: ClinVar variation 876089 (VCV000876089.22), dbSNP rs199752860, ClinGen allele CA1244345.

ClinVar aggregate classification (germline): Likely benign. Review status: reviewed by expert panel (3 of 4 stars). 6 submissions from 5 submitters: Likely benign (1). 5 of the submissions do not count toward it. Last evaluated 2025-11-12.

Conditions:
Glaucoma 1, open angle, A (GLC1A). Also called: Glaucoma, Dominant (Juvenile Onset). Identifiers: Orphanet 98977, MedGen C1842028, MONDO:0007664, OMIM 137750.
Glaucoma. Identifiers: MedGen C0017601, MONDO:0005041, HP:0000501.
MYOC-related disorder. Also called: MYOC-related condition; MYOC-related disorders. Identifiers: MedGen CN239330.
Open-angle glaucoma. Identifiers: MedGen C0017612, MONDO:0005338, HP:0012108.

Allele frequency attached by ClinVar (database versions not stated): gnomAD 0.00024 and 0.00016; 1000 Genomes Project 0.00140; ExAC 0.00065; gnomAD exomes 0.00069; TOPMed 0.00044; 1000 Genomes Project 30x 0.00109.

Submissions (6):

ClinGen Glaucoma Variant Curation Expert Panel
Classification: Likely benign for Open-angle glaucoma. Last evaluated: 2025-11-12. Review status: reviewed by expert panel. Criteria: ClinGen Glaucoma ACMG Specifications V2.0.0 Approved. Collection method: curation. Allele origin: germline. Inheritance: Autosomal dominant inheritance.
Comment: The c.34G>C variant in MYOC is a missense variant predicted to cause substitution of Glycine by Arginine at amino acid 12 (p.Gly12Arg). The highest minor allele frequency of this variant was in the East Asian genetic ancestry group of gnomAD (v4.1.0) = 0.006039, which met the ≥ 0.001 threshold set for BS1 (271 alleles out of 44,874), meeting the threshold of ≥ 5 of at least 2,000 observed alleles). The REVEL score = 0.33, which was neither above nor below the thresholds for PP3 (≥ 0.644) or BP4 (≤ 0.290), predicting a damaging or benign impact on MYOC function. The Gly12Arg protein had similar solubility and secretion levels to wild type myocilin protein in this study (PMID: 35196929). The assays met the OddsPath threshold for BS3_Moderate (< 0.23), indicating that this variant did not impact protein function. Although probands with primary open angle glaucoma have been reported carrying this variant, PM2_Supporting was not met, therefore PS4 did not apply. In summary, this variant met the criteria to receive a score of -6 and to be classified as likely benign (likely benign classification range -2 to -6, adapted from PMID: 32720330) for primary open angle glaucoma based on the ACMG/AMP criteria met, as specified by the ClinGen Glaucoma VCEP (v2.0.0, 5 Dec 2024): BS1, BS3_Moderate.

Mendelics
Classification: Benign. Last evaluated: 2023-08-22. Review status: criteria provided, single submitter. Criteria: Mendelics Assertion Criteria 2019. Collection method: clinical testing. Allele origin: germline. Not counted in ClinVar's aggregate classification.

Labcorp Genetics (formerly Invitae), Labcorp
Classification: Benign. Last evaluated: 2022-02-18. Review status: criteria provided, single submitter. Criteria: Invitae Variant Classification Sherloc (09022015). Collection method: clinical testing. Allele origin: germline. Not counted in ClinVar's aggregate classification.

Illumina Laboratory Services, Illumina
Classification: Likely benign for Glaucoma. Last evaluated: 2017-04-28. Review status: criteria provided, single submitter. Criteria: ICSL Variant Classification Criteria 13 December 2019. Collection method: clinical testing. Allele origin: germline. Not counted in ClinVar's aggregate classification.
Comment: This variant was observed as part of a predisposition screen in an ostensibly healthy population. A literature search was performed for the gene, cDNA change, and amino acid change (where applicable). Publications were found based on this search. The evidence from the literature, in combination with allele frequency data from public databases where available, was sufficient to determine this variant is unlikely to cause disease. Therefore, this variant is classified as likely benign.

Illumina Laboratory Services, Illumina
Classification: Benign for Glaucoma 1, open angle, A. Last evaluated: 2017-04-28. Review status: criteria provided, single submitter. Criteria: ICSL Variant Classification Criteria 13 December 2019. Collection method: clinical testing. Allele origin: germline. Not counted in ClinVar's aggregate classification.
Comment: This variant was observed as part of a predisposition screen in an ostensibly healthy population. A literature search was performed for the gene, cDNA change, and amino acid change (where applicable). Publications were found based on this search. The evidence from the literature, in combination with allele frequency data from public databases where available, was sufficient to rule this variant out of causing disease. Therefore, this variant is classified as benign.

PreventionGenetics, part of Exact Sciences
Classification: Likely benign for MYOC-related condition. Last evaluated: 2021-01-15. Review status: no assertion criteria provided. Collection method: clinical testing. Allele origin: germline. Not counted in ClinVar's aggregate classification.
Comment: This variant is classified as likely benign based on ACMG/AMP sequence variant interpretation guidelines (Richards et al. 2015 PMID: 25741868, with internal and published modifications).

Literature cited by the submitters: PubMed 35196929 (cited by ClinGen Glaucoma Variant Curation Expert Panel); PubMed 19145250 (cited by Illumina Laboratory Services, Illumina); PubMed 16636654 (cited by Illumina Laboratory Services, Illumina); PubMed 12356829 (cited by Illumina Laboratory Services, Illumina); PubMed 21850185 (cited by Illumina Laboratory Services, Illumina).